The following is an entry in ClinVar:

ClinVar aggregate classification (germline): Likely benign (1 of 4 stars; one submission).

Conditions:
LSR-related condition.

gnomAD v4.1: 4 of 1,613,978 alleles (0.00025%); highest among the groups gnomAD compares: South Asian, 0.0044%; no homozygotes.

Submission:

PreventionGenetics, part of Exact Sciences
Classification: Likely benign for LSR-related condition. Last evaluated: 2026-08-30. Review status: criteria provided, single submitter. Criteria: ACMG Guidelines, 2015. Collection method: clinical testing. Allele origin: germline.
Comment: This variant is classified as likely benign based on ACMG/AMP sequence variant interpretation guidelines (Richards et al. 2015 PMID: 25741868, with internal and published modifications).

NM_205834.4(LSR):c.519C>G (p.Val173=)

Gene: LSR (lipolysis stimulated lipoprotein receptor; plus strand). Cytogenetic location: 19q13.12.
Variant type: single nucleotide variant.
Coding change: c.519C>G on transcript NM_205834.4 (MANE Select); coding-DNA position 519, C replaced by G.
Protein change: p.Val173=; no amino-acid change (valine 173 retained).
Molecular consequence: synonymous variant. On other transcripts: intron variant (1).
Genome position (GRCh38, 1-based): chr19:35,259,009, C>G. VCF-style: chr19-35259009-C-G. GRCh37 (hg19) VCF-style: chr19-35749912-C-G.
Other names: c.519C>G, p.Val173= (NM_001260489.2, NM_001385215.1, NM_015925.7 and 1 more transcripts); c.455-7350C>G (NM_001260490.2).
Identifiers: ClinVar variation 4992358 (VCV004992358.1).
Genomic context (GRCh38, chr19:35,259,009, plus strand): 5'-TGACCTGACCTTTGACCAGACGGCGTGGGGGGACAGTGGTGTGTATTACTGCTCCGTGGT[C>G]TCAGCCCAGGACCTCCAGGGGAACAATGAGGCCTACGCAGAGCTCATCGTCCTTGGTGAG-3'
Protein context (NP_991403.2, residues 163-183): GDSGVYYCSV[Val173=]SAQDLQGNNE